The following is an entry in ClinVar:

ClinVar aggregate classification (germline): Benign/Likely benign. Review status: criteria provided, multiple submitters, no conflicts (2 of 4 stars). 7 submissions from 7 submitters: Benign (1); Likely benign (4). 2 of the submissions do not count toward it. Last evaluated 2026-01-11.

Conditions:
CACNA1E-related disorder. Also called: CACNA1E-related condition.
Developmental and epileptic encephalopathy, 69. Also called: EPILEPTIC ENCEPHALOPATHY, EARLY INFANTILE, 69. Identifiers: MedGen C4748988, MONDO:0032657, OMIM 618285.

Allele frequency attached by ClinVar (database versions not stated): gnomAD 0.00011 and 0.00013; gnomAD exomes 0.00014 and 0.00018; TOPMed 0.00014; ExAC 0.00020; 1000 Genomes Project 30x 0.00047; 1000 Genomes Project 0.00060.
gnomAD v4.1: 216 of 1,609,616 alleles (0.013%); highest among the groups gnomAD compares: Middle Eastern, 0.033%; no homozygotes.

Submissions (7):

Labcorp Genetics (formerly Invitae), Labcorp
Classification: Benign. Last evaluated: 2026-01-11. Review status: criteria provided, single submitter. Criteria: Invitae Variant Classification Sherloc (09022015). Collection method: clinical testing. Allele origin: germline.

Genome-Nilou Lab
Classification: Likely benign for Developmental and epileptic encephalopathy, 69. Last evaluated: 2023-04-11. Review status: criteria provided, single submitter. Criteria: ACMG Guidelines, 2015. Collection method: clinical testing. Allele origin: germline. Affected: no.

CeGaT Center for Human Genetics Tuebingen
Classification: Likely benign. Last evaluated: 2022-12-01. Review status: criteria provided, single submitter. Criteria: CeGaT Center For Human Genetics Tuebingen Variant Classification Criteria Version 2. Collection method: clinical testing. Allele origin: germline. Affected: yes. Observed: 2 variant alleles.
Comment: CACNA1E: PP2, PP3, BS2

GeneDx
Classification: Likely benign. Last evaluated: 2021-05-11. Review status: criteria provided, single submitter. Criteria: GeneDx Variant Classification Process June 2021. Collection method: clinical testing. Allele origin: germline. Affected: yes.

Breakthrough Genomics
Classification: Likely benign. Review status: criteria provided, single submitter. Criteria: ACMG Guidelines, 2015. Collection method: not provided. Allele origin: germline. Inheritance: Autosomal dominant inheritance. Affected: yes.

PreventionGenetics, part of Exact Sciences
Classification: Likely benign for CACNA1E-related condition. Last evaluated: 2022-05-27. Review status: no assertion criteria provided. Collection method: clinical testing. Allele origin: germline. Not counted in ClinVar's aggregate classification.
Comment: This variant is classified as likely benign based on ACMG/AMP sequence variant interpretation guidelines (Richards et al. 2015 PMID: 25741868, with internal and published modifications).

Department of Pathology and Laboratory Medicine, Sinai Health System
Classification: Benign. Review status: no assertion criteria provided. Collection method: clinical testing. Allele origin: unknown. Affected: yes. Study: The Canadian Open Genetics Repository (COGR). Not counted in ClinVar's aggregate classification.
Comment: The CACNA1E p.M523I variant was not identified in the literature nor was it identified in ClinVar. The variant was identified in dbSNP (ID: rs144517660) and in control databases in 50 of 280326 chromosomes at a frequency of 0.0001784 (Genome Aggregation Database March 6, 2019, v2.1.1). The variant was observed in the following populations: European (non-Finnish) in 38 of 128314 chromosomes (freq: 0.000296), Other in 2 of 7130 chromosomes (freq: 0.000281), Latino in 9 of 35310 chromosomes (freq: 0.000255) and South Asian in 1 of 30540 chromosomes (freq: 0.000033), but was not observed in the African, Ashkenazi Jewish, East Asian, or European (Finnish) populations. This frequency is greater than expected for the severe, rare autosomal dominant early infatile epileptic encephalopathy 69 associated with CACNA1E variants. The p.M523 residue is conserved across mammals and other organisms, and computational analyses (PolyPhen-2, SIFT, MutationTaster, Revel, FATHMM, MetaLR, DANN) suggest that the variant may impact the protein; however, this information is not predictive enough to assume pathogenicity. The variant occurs outside of the splicing consensus sequence and in silico or computational prediction software programs (Splice AI exome) do not predict a difference in splicing. In summary, based on the above information this variant meets our laboratory's criteria to be classified as benign.

NM_001205293.3(CACNA1E):c.1569G>A (p.Met523Ile)

Gene: CACNA1E (calcium voltage-gated channel subunit alpha1 E; plus strand). Cytogenetic location: 1q25.3.
Variant type: single nucleotide variant.
Coding change: c.1569G>A on transcript NM_001205293.3 (MANE Select); coding-DNA position 1569, G replaced by A.
Protein change: p.Met523Ile; replaces methionine 523 with isoleucine.
Molecular consequence: missense variant.
Genome position (GRCh38, 1-based): chr1:181,718,098, G>A. VCF-style: chr1-181718098-G-A. GRCh37 (hg19) VCF-style: chr1-181687234-G-A.
Other names: c.1569G>A, p.Met523Ile (NM_000721.4, NM_001205294.2); short protein forms M523I.
Identifiers: ClinVar variation 1013540 (VCV001013540.48), dbSNP rs144517660, ClinGen allele CA1275145.